The following is an entry in ClinVar:

ClinVar aggregate classification (germline): Uncertain significance (1 of 4 stars; one submission).

Conditions:
Inborn genetic diseases. Identifiers: MedGen C0950123, MeSH D030342.

gnomAD v4.1: 1 of 1,614,164 alleles (0.000062%); highest among the groups gnomAD compares: Non-Finnish European, 0.000085%; no homozygotes.

Submission:

Ambry Genetics
Classification: Uncertain significance for Inborn genetic diseases. Last evaluated: 2024-12-08. Review status: criteria provided, single submitter. Criteria: Ambry Variant Classification Scheme 2023. Collection method: clinical testing. Allele origin: germline.
Comment: The p.A193G variant (also known as c.578C>G), located in coding exon 5 of the BMPR2 gene, results from a C to G substitution at nucleotide position 578. The alanine at codon 193 is replaced by glycine, an amino acid with similar properties. This amino acid position is conserved. In addition, this alteration is predicted to be tolerated by in silico analysis. Based on the available evidence, the clinical significance of this variant remains unclear.

NM_001204.7(BMPR2):c.578C>G (p.Ala193Gly)

Gene: BMPR2 (bone morphogenetic protein receptor type 2; plus strand). Cytogenetic location: 2q33.2.
Variant type: single nucleotide variant.
Coding change: c.578C>G on transcript NM_001204.7 (MANE Select); coding-DNA position 578, C replaced by G.
Protein change: p.Ala193Gly; replaces alanine 193 with glycine.
Molecular consequence: missense variant.
Genome position (GRCh38, 1-based): chr2:202,514,936, C>G. VCF-style: chr2-202514936-C-G. GRCh37 (hg19) VCF-style: chr2-203379659-C-G.
Other names: short protein forms A193G.
Identifiers: ClinVar variation 3481357 (VCV003481357.1).